The following is an entry in ClinVar:

NC_000001.10:g.(?_156084710)_(156100584_?)del

Gene: LMNA (lamin A/C; plus strand). Cytogenetic location: 1q22.
Variant type: Deletion.
Identifiers: ClinVar variation 3247859 (VCV003247859.1).

ClinVar aggregate classification (germline): Pathogenic (1 of 4 stars; one submission).

Conditions:
Charcot-Marie-Tooth disease type 2. Also called: Charcot-Marie-Tooth type 2. Identifiers: Orphanet 64746, MedGen C0270914, MONDO:0018993.

Submission:

Labcorp Genetics (formerly Invitae), Labcorp
Classification: Pathogenic for Charcot-Marie-Tooth disease type 2. Last evaluated: 2024-01-06. Review status: criteria provided, single submitter. Criteria: Invitae Variant Classification Sherloc (09022015). Collection method: clinical testing. Allele origin: unknown.
Comment: This variant is a gross deletion of the genomic region encompassing exon(s) 1-2 of the LMNA gene, which includes the initiator codon. This deletion extends beyond the assayed region for this gene and therefore may encompass additional genes. It is expected to result in an absent or disrupted protein product. Loss-of-function variants in LMNA are known to be pathogenic (PMID: 18585512, 18926329). This variant has not been reported in the literature in individuals affected with LMNA-related conditions. For these reasons, this variant has been classified as Pathogenic.

Literature cited by the submitters: PubMed 18585512; PubMed 18926329.